The following is an entry in ClinVar:

ClinVar aggregate classification (germline): Uncertain significance (1 of 4 stars; one submission).

Conditions:
T-B+ severe combined immunodeficiency due to JAK3 deficiency. Also called: SCID, autosomal recessive, T-negative/B-positive type; SCID, T CELL-NEGATIVE, B CELL-POSITIVE, NK CELL-NEGATIVE. Identifiers: Orphanet 35078, MedGen C1833275, MONDO:0010938, OMIM 600802.

Allele frequency attached by ClinVar (database versions not stated): gnomAD exomes below 0.00001.
gnomAD v4.1: 1 of 1,613,962 alleles (0.000062%); highest among the groups gnomAD compares: Non-Finnish European, 0.000085%; no homozygotes.

Submission:

Labcorp Genetics (formerly Invitae), Labcorp
Classification: Uncertain significance for T-B+ severe combined immunodeficiency due to JAK3 deficiency. Last evaluated: 2022-03-04. Review status: criteria provided, single submitter. Criteria: Invitae Variant Classification Sherloc (09022015). Collection method: clinical testing. Allele origin: germline.
Comment: This sequence change replaces glutamine, which is neutral and polar, with lysine, which is basic and polar, at codon 326 of the JAK3 protein (p.Gln326Lys). This variant is not present in population databases (gnomAD no frequency). This variant has not been reported in the literature in individuals affected with JAK3-related conditions. Advanced modeling of protein sequence and biophysical properties (such as structural, functional, and spatial information, amino acid conservation, physicochemical variation, residue mobility, and thermodynamic stability) performed at Invitae indicates that this missense variant is not expected to disrupt JAK3 protein function. In summary, the available evidence is currently insufficient to determine the role of this variant in disease. Therefore, it has been classified as a Variant of Uncertain Significance.

NM_000215.4(JAK3):c.976C>A (p.Gln326Lys)

Gene: JAK3 (Janus kinase 3; minus strand). Cytogenetic location: 19p13.11.
Variant type: single nucleotide variant.
Coding change: c.976C>A on transcript NM_000215.4 (MANE Select); coding-DNA position 976, C replaced by A.
Protein change: p.Gln326Lys; replaces glutamine 326 with lysine.
Molecular consequence: missense variant.
Genome position (GRCh38, 1-based): chr19:17,841,648, G>T on the plus strand (C>A on the coding strand, the complement: JAK3 is on the minus strand). VCF-style: chr19-17841648-G-T. GRCh37 (hg19) VCF-style: chr19-17952457-G-T.
Other names: short protein forms Q326K.
Identifiers: ClinVar variation 1948655 (VCV001948655.2), dbSNP rs2514571854, ClinGen allele CA404771780.
Genomic context (GRCh38, chr19:17,841,648, plus strand): 5'-GCCGGTCCCGCCCTCGGGGTAAGGCTGAAGGGGAGGGGAATCCTGCACCCACTAAAATCT[G>T]GTTGTCTGTCCTGGTAACAGTGACCAGGCGGTGCTCTCCGGCCGGGCCAACGCGCGGGGC-3'
Protein context (NP_000206.2, residues 316-336): RLVTVTRTDN[Gln326Lys]ILEAEFPGLP